The following is an entry in ClinVar:

ClinVar aggregate classification (germline): Likely benign. Review status: criteria provided, multiple submitters, no conflicts (2 of 4 stars). 5 submissions from 5 submitters: Likely benign (5). Last evaluated 2026-03-01.

Allele frequency attached by ClinVar (database versions not stated): gnomAD 0.00007 and 0.00009; TOPMed 0.00009; gnomAD exomes 0.00010 and 0.00012; ExAC 0.00011; ESP Exome Variant Server 0.00015.
gnomAD v4.1: 157 of 1,613,942 alleles (0.0097%); highest among the groups gnomAD compares: Middle Eastern, 0.033%; 2 homozygotes.

Submissions (5):

CeGaT Center for Human Genetics Tuebingen
Classification: Likely benign. Last evaluated: 2026-03-01. Review status: criteria provided, single submitter. Criteria: CeGaT Center For Human Genetics Tuebingen Variant Classification Criteria Version 2. Collection method: clinical testing. Allele origin: germline. Affected: yes. Observed: 5 variant alleles.
Comment: VLDLR: BP4, BP7

Labcorp Genetics (formerly Invitae), Labcorp
Classification: Likely benign. Last evaluated: 2025-11-01. Review status: criteria provided, single submitter. Criteria: Invitae Variant Classification Sherloc (09022015). Collection method: clinical testing. Allele origin: germline.

Mayo Clinic Laboratories, Mayo Clinic
Classification: Likely benign. Last evaluated: 2025-07-11. Review status: criteria provided, single submitter. Criteria: ACMG Guidelines, 2015. Collection method: clinical testing. Allele origin: germline. Observed: 2 variant alleles.
Comment: BP4, BP7

Laboratory of Genetics, Children's Clinical University Hospital Latvia
Classification: Likely benign. Last evaluated: 2025-02-16. Review status: criteria provided, single submitter. Criteria: ACMG Guidelines, 2015. Collection method: clinical testing. Allele origin: germline. Affected: yes.

Blueprint Genetics
Classification: Likely benign. Last evaluated: 2024-09-10. Review status: criteria provided, single submitter. Criteria: ACMG Guidelines, 2015. Collection method: clinical testing. Allele origin: germline.

NM_003383.5(VLDLR):c.540C>T (p.Ser180=)

Gene: VLDLR (very low density lipoprotein receptor; plus strand). Cytogenetic location: 9p24.2.
Variant type: single nucleotide variant.
Coding change: c.540C>T on transcript NM_003383.5 (MANE Select); coding-DNA position 540, C replaced by T.
Protein change: p.Ser180=; no amino-acid change (serine 180 retained).
Molecular consequence: synonymous variant.
Genome position (GRCh38, 1-based): chr9:2,643,251, C>T. VCF-style: chr9-2643251-C-T. GRCh37 (hg19) VCF-style: chr9-2643251-C-T.
Other names: p.Ser180=; c.540C>T, p.Ser180= (NM_001018056.3); c.417C>T, p.Ser139= (NM_001322225.2, NM_001322226.2).
Identifiers: ClinVar variation 366362 (VCV000366362.37), dbSNP rs367872112, ClinGen allele CA4964565.